The following is an entry in ClinVar:

NM_001130987.2(DYSF):c.3571dup (p.Ser1191fs)

Gene: DYSF (dysferlin; plus strand). Cytogenetic location: 2p13.2.
Variant type: Duplication.
Coding change: c.3571dup on transcript NM_001130987.2 (MANE Select); coding-DNA position 3571, one base duplicated (T; older notation c.3571dupT).
Protein change: p.Ser1191fs; shifts the reading frame from serine 1191.
Molecular consequence: frameshift variant.
Genome position (GRCh38, 1-based): chr2:71,590,285, T duplicated; the last of 5 consecutive T bases (chr2:71,590,281-71,590,285); duplicating any one gives the same sequence. VCF-style (leftmost placement, unchanged base first): chr2-71590280-C-CT. GRCh37 (hg19) VCF-style: chr2-71817410-C-CT.
Other names: NM_001130987.2(DYSF):c.3571dup; p.Ser1191fs; c.3520dup, p.Ser1174fs (NM_001130455.2, NM_001130983.2); c.3475dup, p.Ser1159fs (NM_001130976.2, NM_001130977.2); c.3517dup, p.Ser1173fs (NM_001130978.2, NM_003494.4); c.3610dup, p.Ser1204fs (NM_001130979.2); c.3568dup, p.Ser1190fs (NM_001130980.2, NM_001130981.2); c.3613dup, p.Ser1205fs (NM_001130982.2); and 3 more; short protein forms S1160fs, S1174fs, S1191fs, S1204fs, S1190fs, S1159fs, S1173fs, S1205fs.
Identifiers: ClinVar variation 370730 (VCV000370730.20), dbSNP rs766341386, ClinGen allele CA1706625.

ClinVar aggregate classification (germline): Pathogenic. Review status: reviewed by expert panel (3 of 4 stars). 8 submissions from 8 submitters: Pathogenic (1). 7 of the submissions do not count toward it. Last evaluated 2025-05-14.

Conditions:
Miyoshi muscular dystrophy 1 (MMD1). Identifiers: Orphanet 45448, MedGen C4551973, MONDO:0024545, OMIM 254130.
Autosomal recessive limb-girdle muscular dystrophy type 2B (LGMDR2). Also called: MUSCULAR DYSTROPHY, LIMB-GIRDLE, TYPE 3; Limb-girdle muscular dystrophy, type 2B; MUSCULAR DYSTROPHY, LIMB-GIRDLE, AUTOSOMAL RECESSIVE 2; Limb-Girdle Muscular Dystrophy Type 2B (LGMD2B). Identifiers: Orphanet 268, MedGen C1850889, MONDO:0009676, OMIM 253601.
Autosomal recessive limb-girdle muscular dystrophy. Identifiers: Orphanet 102015, MedGen C2931907, MONDO:0015152.
Neuromuscular disease caused by qualitative or quantitative defects of dysferlin. Also called: Qualitative or quantitative defects of dysferlin; Dysferlinopathy. Identifiers: Orphanet 207073, MedGen C2931687, MONDO:0016145.
DYSF-related disorder. Also called: DYSF-related disorders; DYSF-related condition.

Submissions (8):

ClinGen Limb Girdle Muscular Dystrophy Variant Curation Expert Panel, ClinGen
Classification: Pathogenic for Autosomal recessive limb-girdle muscular dystrophy. Last evaluated: 2025-05-14. Review status: reviewed by expert panel. Criteria: ClinGen LGMD VCEP ACMG Specifications DYSF V1.0.0. Collection method: curation. Allele origin: germline. Inheritance: Autosomal recessive inheritance.
Comment: The NM_003494.4: c.3517dup p.(Ser1173PhefsTer2) variant in DYSF, which is also known as NM_001130987.2: c.3571dup p.(Ser1191PhefsTer2), is a frameshift variant predicted to cause a premature stop codon in biologically relevant exon 32/55, leading to nonsense mediated decay in a gene in which loss of function is an established disease mechanism (PVS1). This variant has been reported in at least six patients with dysferlinopathy (PMID: 19528035, 18853459, 27447704, 36983702), including in a homozygous state in two individuals without reported familial consanguinity (1.0 pts, PMID: 19528035, 27447704), confirmed in trans with a likely pathogenic or pathogenic variant (NM_003494.4: c.3113G>A p.(Arg1038Gln), 1.0 pt, PMID: 36983702), and in unknown phase with a pathogenic variant (NM_003494.4: c.5836_5839del p.(Gln1946TrpfsTer19), 0.5 pts, PMID: 36983702) (PM3_Strong). At least one of the patients with this variant and a second presumed diagnostic DYSF variant displayed progressive proximal muscle weakness and absent dysferlin protein expression in skeletal muscle, which is highly specific for DYSF-related LGMD (PP4_Strong; PMID: 18853459, 36983702). The filtering allele frequency of this variant is 0.000053899 in gnomAD v4.1.0 exomes (the upper threshold of the 95% CI of 47/1111990 European (non-Finnish) chromosomes), which is less than the ClinGen LGMD VCEP threshold (≤0.0001) (PM2_Supporting). In summary, this variant meets the criteria to be classified as Pathogenic for autosomal recessive limb girdle muscular dystrophy based on the ACMG/AMP criteria applied, as specified by the ClinGen LGMD VCEP (LGMD VCEP specifications version 1.0.0; 05/14/2025): PVS1, PM3_Strong, PP4_Strong, PM2_Supporting.

Natera, Inc.
Classification: Pathogenic for Limb-girdle muscular dystrophy type 2B. Last evaluated: 2025-07-28. Review status: criteria provided, single submitter. Criteria: Natera Variant Classification Schema (03/2026). Collection method: clinical testing. Allele origin: germline. Not counted in ClinVar's aggregate classification.
Comment: The c.3517dupT variant in DYSF is a frameshift variant predicted to shift the reading frame beginning at codon 1173 and leads to a stop codon 2 codons downstream. This variant is expected to result in nonsense mediated decay, truncation, or a dysfunctional protein product. This variant is rare in the general population with a frequency below the threshold expected for the associated phenotype(s). This variant has been observed in one or more individuals affected with the associated recessive disease, as either homozygous or compound heterozygous with a second variant (PMID: 18853459, 27447704). Given the available evidence, this variant is classified as Pathogenic.

Labcorp Genetics (formerly Invitae), Labcorp
Classification: Pathogenic for Neuromuscular disease caused by qualitative or quantitative defects of dysferlin. Last evaluated: 2025-03-05. Review status: criteria provided, single submitter. Criteria: Invitae Variant Classification Sherloc (09022015). Collection method: clinical testing. Allele origin: germline. Not counted in ClinVar's aggregate classification.
Comment: This sequence change creates a premature translational stop signal (p.Ser1173Phefs*2) in the DYSF gene. It is expected to result in an absent or disrupted protein product. Loss-of-function variants in DYSF are known to be pathogenic (PMID: 17698709, 20301480). This variant is present in population databases (rs766341386, gnomAD 0.003%). This premature translational stop signal has been observed in individuals with Miyoshi myopathy and limb-girdle muscular dystrophy (PMID: 18853459, 19528035, 26916285, 27447704). ClinVar contains an entry for this variant (Variation ID: 370730). For these reasons, this variant has been classified as Pathogenic.

Revvity Omics, Revvity
Classification: Pathogenic. Last evaluated: 2024-07-18. Review status: criteria provided, single submitter. Criteria: ACMG Guidelines, 2015. Collection method: clinical testing. Allele origin: germline. Not counted in ClinVar's aggregate classification.

Baylor Genetics
Classification: Pathogenic for Miyoshi muscular dystrophy 1. Last evaluated: 2024-03-27. Review status: criteria provided, single submitter. Criteria: ACMG Guidelines, 2015. Collection method: clinical testing. Allele origin: unknown. Not counted in ClinVar's aggregate classification.

Athena Diagnostics
Classification: Pathogenic. Last evaluated: 2023-03-21. Review status: criteria provided, single submitter. Criteria: Athena Diagnostics Criteria. Collection method: clinical testing. Allele origin: unknown. Not counted in ClinVar's aggregate classification.
Comment: This variant is expected to result in the loss of a functional protein. The frequency of this variant in the general population is consistent with pathogenicity. This variant has been identified in at least one individual with clinical features associated with Miyoshi muscular dystrophy and in at least one individual with clinical features associated with limb-girdle muscular dystrophy.

Blueprint Genetics
Classification: Pathogenic for DYSF-related disorders. Last evaluated: 2021-07-14. Review status: criteria provided, single submitter. Criteria: ACMG Guidelines, 2015. Collection method: clinical testing. Allele origin: germline. Affected: yes. Observed: 3 variant alleles. Not counted in ClinVar's aggregate classification.

Counsyl
Classification: Likely pathogenic for Autosomal recessive limb-girdle muscular dystrophy type 2B. Last evaluated: 2016-11-02. Review status: no assertion criteria provided. Collection method: clinical testing. Allele origin: unknown. Not counted in ClinVar's aggregate classification.

Literature cited by the submitters: PubMed 18853459 (cited by 4 submitters); PubMed 27447704 (cited by 3 submitters); PubMed 17698709 (cited by Labcorp Genetics (formerly Invitae), Labcorp); PubMed 20301480 (cited by Labcorp Genetics (formerly Invitae), Labcorp); PubMed 19528035 (cited by Labcorp Genetics (formerly Invitae), Labcorp and Athena Diagnostics); PubMed 26916285 (cited by Labcorp Genetics (formerly Invitae), Labcorp and Athena Diagnostics); PubMed 19953532 (cited by Athena Diagnostics).